The following is an entry in ClinVar:

NM_138295.5(PKD1L1):c.603G>A (p.Ala201=)

Gene: PKD1L1 (polycystin 1 like 1, transient receptor potential channel interacting; minus strand). Cytogenetic location: 7p12.3.
Variant type: single nucleotide variant.
Coding change: c.603G>A on transcript NM_138295.5 (MANE Select); coding-DNA position 603, G replaced by A.
Protein change: p.Ala201=; no amino-acid change (alanine 201 retained).
Molecular consequence: synonymous variant.
Genome position (GRCh38, 1-based): chr7:47,931,238, C>T on the plus strand (G>A on the coding strand, the complement: PKD1L1 is on the minus strand). VCF-style: chr7-47931238-C-T. GRCh37 (hg19) VCF-style: chr7-47970835-C-T.
Identifiers: ClinVar variation 2634939 (VCV002634939.29), dbSNP rs141425680, ClinGen allele CA4254298.

ClinVar aggregate classification (germline): Likely benign. Review status: criteria provided, multiple submitters, no conflicts (2 of 4 stars). 4 submissions from 4 submitters: Likely benign (4). Last evaluated 2026-03-15.

Conditions:
PKD1L1-related disorder. Also called: PKD1L1-related condition.

Allele frequency attached by ClinVar (database versions not stated): ESP Exome Variant Server 0.00008; TOPMed 0.00012; ExAC 0.00013; gnomAD 0.00013; 1000 Genomes Project 30x 0.00016; 1000 Genomes Project 0.00020.
gnomAD v4.1: 193 of 1,614,236 alleles (0.012%); highest among the groups gnomAD compares: Middle Eastern, 0.016%; no homozygotes.

Submissions (4):

PreventionGenetics, part of Exact Sciences
Classification: Likely benign for PKD1L1-related condition. Last evaluated: 2026-03-15. Review status: criteria provided, single submitter. Criteria: ACMG Guidelines, 2015. Collection method: clinical testing. Allele origin: germline.
Comment: This variant is classified as likely benign based on ACMG/AMP sequence variant interpretation guidelines (Richards et al. 2015 PMID: 25741868, with internal and published modifications).

CeGaT Center for Human Genetics Tuebingen
Classification: Likely benign. Last evaluated: 2026-02-01. Review status: criteria provided, single submitter. Criteria: CeGaT Center For Human Genetics Tuebingen Variant Classification Criteria Version 2. Collection method: clinical testing. Allele origin: germline. Affected: yes. Observed: 2 variant alleles.
Comment: PKD1L1: BP4, BP7

Labcorp Genetics (formerly Invitae), Labcorp
Classification: Likely benign. Last evaluated: 2024-09-16. Review status: criteria provided, single submitter. Criteria: Invitae Variant Classification Sherloc (09022015). Collection method: clinical testing. Allele origin: germline.

Blueprint Genetics
Classification: Likely benign. Last evaluated: 2024-03-07. Review status: criteria provided, single submitter. Criteria: ACMG Guidelines, 2015. Collection method: clinical testing. Allele origin: germline.